The following is an entry in ClinVar:

ClinVar aggregate classification (germline): Uncertain significance (1 of 4 stars; one submission).

gnomAD v4.1: 1 of 1,614,010 alleles (0.000062%); highest among the groups gnomAD compares: Non-Finnish European, 0.000085%; no homozygotes.

Submission:

ARUP Laboratories, Molecular Genetics and Genomics, ARUP Laboratories
Classification: Uncertain significance. Last evaluated: 2024-09-19. Review status: criteria provided, single submitter. Criteria: ARUP Molecular Germline Variant Investigation Process 2024. Collection method: clinical testing. Allele origin: germline.
Comment: The FBN2 c.5273C>A; p.Thr1758Lys variant, to our knowledge, is not reported in the medical literature or gene specific databases. This variant is also absent from the Genome Aggregation Database (v2.1.1), indicating it is not a common polymorphism. Computational analyses predict that this variant is deleterious (REVEL: 0.93). Due to limited information, the clinical significance of this variant is uncertain at this time.

NM_001999.4(FBN2):c.5273C>A (p.Thr1758Lys)

Gene: FBN2 (fibrillin 2; minus strand). Cytogenetic location: 5q23.3.
Variant type: single nucleotide variant.
Coding change: c.5273C>A on transcript NM_001999.4 (MANE Select); coding-DNA position 5273, C replaced by A.
Protein change: p.Thr1758Lys; replaces threonine 1758 with lysine.
Molecular consequence: missense variant.
Genome position (GRCh38, 1-based): chr5:128,309,327, G>T on the plus strand (C>A on the coding strand, the complement: FBN2 is on the minus strand). VCF-style: chr5-128309327-G-T. GRCh37 (hg19) VCF-style: chr5-127645019-G-T.
Other names: short protein forms T1758K.
Identifiers: ClinVar variation 3766842 (VCV003766842.1).
Genomic context (GRCh38, chr5:128,309,327, plus strand): 5'-GGTTCACAAGGTTTGTTCCAGGCTTTGCCCACATTATATGTGCAGCAGCACATCCTTTTT[G>T]TCACATTGAAAGGCAACTCATTCTCACAAGTGGTTCCATTATAGCTTCGGTAGCAAAAGC-3'
Protein context (NP_001990.2, residues 1748-1768): TCENELPFNV[Thr1758Lys]KRMCCCTYNV